The following is an entry in ClinVar:

ClinVar aggregate classification (germline): Benign. Review status: criteria provided, multiple submitters, no conflicts (2 of 4 stars). 7 submissions from 7 submitters: Benign (5). 2 of the submissions do not count toward it. Last evaluated 2026-02-04.

Conditions:
Ehlers-Danlos syndrome, dermatosparaxis type. Also called: EDS VIIC; Dermatosparaxis; Ehlers-Danlos syndrome, type VII, autosomal recessive. Identifiers: Orphanet 1901, MedGen C2700425, MONDO:0009161, OMIM 225410.

Allele frequency attached by ClinVar (database versions not stated): ESP Exome Variant Server 0.19230; gnomAD 0.20408 and 0.21123; TOPMed 0.20967; 1000 Genomes Project 30x 0.23220; 1000 Genomes Project 0.23702; gnomAD exomes 0.25501 and 0.26965; ExAC 0.26166.
gnomAD v4.1: 404,593 of 1,613,632 alleles (25%); highest among the groups gnomAD compares: East Asian, 37%; 53,159 homozygotes.

Submissions (7):

Labcorp Genetics (formerly Invitae), Labcorp
Classification: Benign for Ehlers-Danlos syndrome, dermatosparaxis type. Last evaluated: 2026-02-04. Review status: criteria provided, single submitter. Criteria: Invitae Variant Classification Sherloc (09022015). Collection method: clinical testing. Allele origin: germline.

Blueprint Genetics
Classification: Benign. Last evaluated: 2024-11-26. Review status: criteria provided, single submitter. Criteria: ACMG Guidelines, 2015. Collection method: clinical testing. Allele origin: germline.

Genome-Nilou Lab
Classification: Benign for Ehlers-Danlos syndrome, dermatosparaxis type. Last evaluated: 2021-07-10. Review status: criteria provided, single submitter. Criteria: ACMG Guidelines, 2015. Collection method: clinical testing. Allele origin: germline. Affected: no.

Women's Health and Genetics/Laboratory Corporation of America, LabCorp
Classification: Benign. Last evaluated: 2016-11-25. Review status: criteria provided, single submitter. Criteria: LabCorp Variant Classification Summary - May 2015. Collection method: clinical testing. Allele origin: germline.
Comment: Variant summary: The c.1630-18T>C in ADAMTS2 gene is an intronic change that involves a non-conserved nucleotide. 5/5 programs in Alamut predict that this variant does not affect normal splicing, however no functional studies supporting this notion were published at the time of evaluation. The variant is present in the control population dataset of ExAC at frequency of 0.261 (31732/121274 chrs tested), including 4523 homozygotes. The observed frequency exceeds the maximum expected allele frequency for a pathogenic variant in this gene (0.0029), suggesting that it is a benign polymorphism. Taking together, based on the prevalence in general population the variant was classified as Benign.

GeneDx
Classification: Benign. Last evaluated: 2016-10-06. Review status: criteria provided, single submitter. Criteria: GeneDx Variant Classification (06012015). Collection method: clinical testing. Allele origin: germline. Affected: yes.
Comment: This variant is considered likely benign or benign based on one or more of the following criteria: it is a conservative change, it occurs at a poorly conserved position in the protein, it is predicted to be benign by multiple in silico algorithms, and/or has population frequency not consistent with disease.

Genome Diagnostics Laboratory, Amsterdam University Medical Center
Classification: Benign for Ehlers-Danlos syndrome, dermatosparaxis type. Last evaluated: 2014-02-04. Review status: no assertion criteria provided. Criteria: ACGS Guidelines, 2013. Collection method: clinical testing. Allele origin: germline. Affected: yes. Study: VKGL Data-share Consensus. Not counted in ClinVar's aggregate classification.

Diagnostic Laboratory, Department of Genetics, University Medical Center Groningen
Classification: Benign for Ehlers-Danlos syndrome, dermatosparaxis type. Review status: no assertion criteria provided. Collection method: clinical testing. Allele origin: germline. Affected: yes. Study: VKGL Data-share Consensus. Not counted in ClinVar's aggregate classification.

NM_014244.5(ADAMTS2):c.1630-18T>C

Gene: ADAMTS2 (ADAM metallopeptidase with thrombospondin type 1 motif 2; minus strand). Cytogenetic location: 5q35.3.
Variant type: single nucleotide variant.
Coding change: c.1630-18T>C on transcript NM_014244.5 (MANE Select); 18 bases into the intron before coding-DNA position 1630, T replaced by C.
Molecular consequence: intron variant.
Genome position (GRCh38, 1-based): chr5:179,140,053, A>G on the plus strand (T>C on the coding strand, the complement: ADAMTS2 is on the minus strand). VCF-style: chr5-179140053-A-G. GRCh37 (hg19) VCF-style: chr5-178567054-A-G.
Identifiers: ClinVar variation 381174 (VCV000381174.15), dbSNP rs2303638, ClinGen allele CA3595821.